The following is an entry in ClinVar:

NM_000051.4(ATM):c.4129A>C (p.Asn1377His)

Gene: ATM (ATM serine/threonine kinase; plus strand). Cytogenetic location: 11q22.3.
Variant type: single nucleotide variant.
Coding change: c.4129A>C on transcript NM_000051.4 (MANE Select); coding-DNA position 4129, A replaced by C.
Protein change: p.Asn1377His; replaces asparagine 1377 with histidine.
Molecular consequence: missense variant.
Genome position (GRCh38, 1-based): chr11:108,288,996, A>C. VCF-style: chr11-108288996-A-C. GRCh37 (hg19) VCF-style: chr11-108159723-A-C.
Other names: c.4129A>C, p.Asn1377His (NM_001351834.2); short protein forms N1377H.
Identifiers: ClinVar variation 1035559 (VCV001035559.7), dbSNP rs2082639157, ClinGen allele CA382529836.

ClinVar aggregate classification (germline): Uncertain significance (1 of 4 stars; one submission).

Conditions:
Ataxia-telangiectasia syndrome (AT). Also called: Ataxia-telangiectasia, complementation group D; ATAXIA-TELANGIECTASIA, COMPLEMENTATION GROUP A; ATAXIA-TELANGIECTASIA, FRESNO VARIANT; Ataxia-telangiectasia; Ataxia-telangiectasia, complementation group E; LOUIS-BAR SYNDROME. Identifiers: Orphanet 100, MedGen C0004135, MONDO:0008840, OMIM 208900.

Allele frequency attached by ClinVar (database versions not stated): gnomAD exomes below 0.00001.

Submission:

Labcorp Genetics (formerly Invitae), Labcorp
Classification: Uncertain significance for Ataxia-telangiectasia syndrome. Last evaluated: 2025-06-30. Review status: criteria provided, single submitter. Criteria: Invitae Variant Classification Sherloc (09022015). Collection method: clinical testing. Allele origin: germline.
Comment: This sequence change replaces asparagine, which is neutral and polar, with histidine, which is basic and polar, at codon 1377 of the ATM protein (p.Asn1377His). This variant is not present in population databases (gnomAD no frequency). This variant has not been reported in the literature in individuals affected with ATM-related conditions. ClinVar contains an entry for this variant (Variation ID: 1035559). Invitae Evidence Modeling of protein sequence and biophysical properties (such as structural, functional, and spatial information, amino acid conservation, physicochemical variation, residue mobility, and thermodynamic stability) has been performed for this missense variant. However, the output from this modeling did not meet the statistical confidence thresholds required to predict the impact of this variant on ATM protein function. In summary, the available evidence is currently insufficient to determine the role of this variant in disease. Therefore, it has been classified as a Variant of Uncertain Significance.